The following is an entry in ClinVar:

NM_000243.3(MEFV):c.574A>G (p.Arg192Gly)

Gene: MEFV (MEFV innate immunity regulator, pyrin; minus strand). Cytogenetic location: 16p13.3.
Variant type: single nucleotide variant.
Coding change: c.574A>G on transcript NM_000243.3 (MANE Select); coding-DNA position 574, A replaced by G.
Protein change: p.Arg192Gly; replaces arginine 192 with glycine.
Molecular consequence: missense variant. On other transcripts: intron variant (1).
Genome position (GRCh38, 1-based): chr16:3,254,494, T>C on the plus strand (A>G on the coding strand, the complement: MEFV is on the minus strand). VCF-style: chr16-3254494-T-C. GRCh37 (hg19) VCF-style: chr16-3304494-T-C.
Other names: c.277+1817A>G (NM_001198536.2); short protein forms R192G.
Identifiers: ClinVar variation 938555 (VCV000938555.27), dbSNP rs745839954, ClinGen allele CA7860393.

ClinVar aggregate classification (germline): Conflicting classifications of pathogenicity. Review status: criteria provided, conflicting classifications (1 of 4 stars). 6 submissions from 4 submitters: Uncertain significance (3); Likely benign (2). 1 of the submissions does not count toward it. Last evaluated 2023-02-08.

Conditions:
Acute febrile neutrophilic dermatosis (AFND). Also called: Sweet Syndrome; Gomm Button disease. Identifiers: Orphanet 3243, MedGen C0085077, MONDO:0011959, OMIM 608068.
Familial Mediterranean fever, autosomal dominant. Also called: Dominant Familial Mediterranean Fever; FMF, AUTOSOMAL DOMINANT. Identifiers: Orphanet 342, MedGen C1851347, MONDO:0007601, OMIM 134610.
Familial Mediterranean fever (FMF). Also called: POLYSEROSITIS, FAMILIAL PAROXYSMAL; POLYSEROSITIS, RECURRENT; Periodic peritonitis; Benign paroxysmal peritonitis. Identifiers: Orphanet 342, MedGen C0031069, MONDO:0018088, OMIM 249100. Disease mechanism: gain of function.

Allele frequency attached by ClinVar (database versions not stated): TOPMed below 0.00001; gnomAD 0.00003; gnomAD exomes 0.00001 and below 0.00001; ExAC 0.00002.
gnomAD v4.1: 5 of 1,579,316 alleles (0.00032%); highest among the groups gnomAD compares: African/African-American, 0.0068%; no homozygotes.

Submissions (6):

Genome-Nilou Lab
Classification: Uncertain significance for Familial Mediterranean fever. Last evaluated: 2023-02-08. Review status: criteria provided, single submitter. Criteria: ACMG Guidelines, 2015. Collection method: clinical testing. Allele origin: germline.

Genome-Nilou Lab
Classification: Likely benign for Familial Mediterranean fever, autosomal dominant. Last evaluated: 2023-02-08. Review status: criteria provided, single submitter. Criteria: ACMG Guidelines, 2015. Collection method: clinical testing. Allele origin: germline.

Genome-Nilou Lab
Classification: Likely benign for Acute febrile neutrophilic dermatosis. Last evaluated: 2023-02-08. Review status: criteria provided, single submitter. Criteria: ACMG Guidelines, 2015. Collection method: clinical testing. Allele origin: germline.

Labcorp Genetics (formerly Invitae), Labcorp
Classification: Uncertain significance for Familial Mediterranean fever. Last evaluated: 2022-04-19. Review status: criteria provided, single submitter. Criteria: Invitae Variant Classification Sherloc (09022015). Collection method: clinical testing. Allele origin: germline.
Comment: This sequence change replaces arginine, which is basic and polar, with glycine, which is neutral and non-polar, at codon 192 of the MEFV protein (p.Arg192Gly). This variant is present in population databases (rs745839954, gnomAD 0.02%). This variant has not been reported in the literature in individuals affected with MEFV-related conditions. ClinVar contains an entry for this variant (Variation ID: 938555). Algorithms developed to predict the effect of missense changes on protein structure and function (SIFT, PolyPhen-2, Align-GVGD) all suggest that this variant is likely to be tolerated. In summary, the available evidence is currently insufficient to determine the role of this variant in disease. Therefore, it has been classified as a Variant of Uncertain Significance.

ARUP Laboratories, Molecular Genetics and Genomics, ARUP Laboratories
Classification: Uncertain significance. Last evaluated: 2020-01-05. Review status: criteria provided, single submitter. Criteria: ARUP Molecular Germline Variant Investigation Process. Collection method: clinical testing. Allele origin: germline.
Comment: The MEFV c.574A>G; p.Arg192Gly variant (rs745839954), to our knowledge, is not reported in the medical literature or gene specific databases. This variant is only observed on four alleles in the Genome Aggregation Database, indicating it is not a common polymorphism. The arginine at codon 192 is weakly conserved, and computational analyses (SIFT, PolyPhen-2) predict that this variant is tolerated. Due to limited information, the clinical significance of the p.Arg192Gly variant is uncertain at this time.

Natera, Inc.
Classification: Uncertain significance for Familial Mediterranean fever. Last evaluated: 2021-05-13. Review status: no assertion criteria provided. Collection method: clinical testing. Allele origin: germline. Not counted in ClinVar's aggregate classification.